The following is an entry in ClinVar:

NM_005630.3(SLCO2A1):c.233A>G (p.Glu78Gly)

Gene: SLCO2A1 (solute carrier organic anion transporter family member 2A1; minus strand). Cytogenetic location: 3q22.1.
Variant type: single nucleotide variant.
Coding change: c.233A>G on transcript NM_005630.3 (MANE Select); coding-DNA position 233, A replaced by G.
Protein change: p.Glu78Gly; replaces glutamic acid 78 with glycine.
Molecular consequence: missense variant.
Genome position (GRCh38, 1-based): chr3:133,979,482, T>C on the plus strand (A>G on the coding strand, the complement: SLCO2A1 is on the minus strand). VCF-style: chr3-133979482-T-C. GRCh37 (hg19) VCF-style: chr3-133698326-T-C.
Other names: c.233A>G (NM_005630.2); short protein forms E78G.
Identifiers: ClinVar variation 4709562 (VCV004709562.2).

ClinVar aggregate classification (germline): Uncertain significance. Review status: criteria provided, multiple submitters, no conflicts (2 of 4 stars). 2 submissions from 2 submitters: Uncertain significance (2). Last evaluated 2026-01-21.

Conditions:
Inborn genetic diseases. Identifiers: MedGen C0950123, MeSH D030342.

Submissions (2):

Ambry Genetics
Classification: Uncertain significance for Inborn genetic diseases. Last evaluated: 2026-01-21. Review status: criteria provided, single submitter. Criteria: Ambry Variant Classification Scheme 2023. Collection method: clinical testing. Allele origin: germline.
Comment: The c.233A>G (p.E78G) alteration is located in exon 2 (coding exon 2) of the SLCO2A1 gene. This alteration results from an A to G substitution at nucleotide position 233, causing the glutamic acid (E) at amino acid position 78 to be replaced by a glycine (G). This variant was not reported in population-based cohorts in the Genome Aggregation Database (gnomAD). This amino acid position is highly conserved in available vertebrate species. This nucleotide position is highly conserved in available vertebrate species. This amino acid alteration is predicted to be deleterious by in silico analysis. In silico splice site analysis predicts that this nucleotide alteration may weaken the native splice donor site. Based on insufficient or conflicting evidence, the clinical significance of this alteration remains unclear.

Labcorp Genetics (formerly Invitae), Labcorp
Classification: Uncertain significance. Last evaluated: 2025-12-20. Review status: criteria provided, single submitter. Criteria: Invitae Variant Classification Sherloc (09022015). Collection method: clinical testing. Allele origin: germline.
Comment: This sequence change replaces glutamic acid, which is acidic and polar, with glycine, which is neutral and non-polar, at codon 78 of the SLCO2A1 protein (p.Glu78Gly). This variant is not present in population databases (gnomAD no frequency). This variant has not been reported in the literature in individuals affected with SLCO2A1-related conditions. Invitae Evidence Modeling of protein sequence and biophysical properties (such as structural, functional, and spatial information, amino acid conservation, physicochemical variation, residue mobility, and thermodynamic stability) has been performed for this missense variant. However, the output from this modeling did not meet the statistical confidence thresholds required to predict the impact of this variant on SLCO2A1 protein function. Algorithms developed to predict the effect of sequence changes on RNA splicing suggest that this variant may disrupt the consensus splice site. In summary, the available evidence is currently insufficient to determine the role of this variant in disease. Therefore, it has been classified as a Variant of Uncertain Significance.